The following is an entry in ClinVar:

ClinVar aggregate classification (germline): Uncertain significance (1 of 4 stars; one submission).

Conditions:
Melanoma, cutaneous malignant, susceptibility to, 5. Also called: Cutaneous malignant melanoma 5. Identifiers: Orphanet 618, MedGen C2751295, MONDO:0013133, OMIM 613099.

Submission:

Labcorp Genetics (formerly Invitae), Labcorp
Classification: Uncertain significance for Melanoma, cutaneous malignant, susceptibility to, 5. Last evaluated: 2023-10-23. Review status: criteria provided, single submitter. Criteria: Invitae Variant Classification Sherloc (09022015). Collection method: clinical testing. Allele origin: germline.
Comment: This variant, c.185_193del, results in the deletion of 3 amino acid(s) of the MC1R protein (p.Thr62_Ala64del), but otherwise preserves the integrity of the reading frame. This variant is not present in population databases (gnomAD no frequency). This variant has not been reported in the literature in individuals affected with MC1R-related conditions. Experimental studies and prediction algorithms are not available or were not evaluated, and the functional significance of this variant is currently unknown. In summary, the available evidence is currently insufficient to determine the role of this variant in disease. Therefore, it has been classified as a Variant of Uncertain Significance.

NM_002386.4(MC1R):c.185_193del (p.Thr62_Ala64del)

Gene: MC1R (melanocortin 1 receptor; plus strand). Cytogenetic location: 16q24.3.
Variant type: Deletion.
Coding change: c.185_193del on transcript NM_002386.4 (MANE Select); coding-DNA positions 185 to 193, 9 bases deleted (CCATCGCCA; older notation c.185_193delCCATCGCCA).
Protein change: p.Thr62_Ala64del.
Molecular consequence: inframe deletion.
Genome position (GRCh38, 1-based): chr16:89,919,443-89,919,451, CCATCGCCA deleted; deleting any 9 consecutive bases within chr16:89,919,439-89,919,451 gives the same sequence; the c. name uses the placement nearest the transcript's 3' end. VCF-style (leftmost placement, unchanged base first): chr16-89919438-GGCCACCATC-G. GRCh37 (hg19) VCF-style: chr16-89985846-GGCCACCATC-G.
Identifiers: ClinVar variation 2777409 (VCV002777409.3), dbSNP rs2544608888, ClinGen allele CA2635065251.